The following is an entry in ClinVar:

NM_002863.5(PYGL):c.2110G>A (p.Ala704Thr)

Gene: PYGL (glycogen phosphorylase L; minus strand). Cytogenetic location: 14q22.1.
Variant type: single nucleotide variant.
Coding change: c.2110G>A on transcript NM_002863.5 (MANE Select); coding-DNA position 2110, G replaced by A.
Protein change: p.Ala704Thr; replaces alanine 704 with threonine.
Molecular consequence: missense variant.
Genome position (GRCh38, 1-based): chr14:50,909,962, C>T on the plus strand (G>A on the coding strand, the complement: PYGL is on the minus strand). VCF-style: chr14-50909962-C-T. GRCh37 (hg19) VCF-style: chr14-51376680-C-T.
Other names: c.2008G>A, p.Ala670Thr (NM_001163940.2); short protein forms A704T, A670T.
Identifiers: ClinVar variation 570678 (VCV000570678.7), dbSNP rs555408487, ClinGen allele CA260821502.
Genomic context (GRCh38, chr14:50,909,962, plus strand): 5'-TGTCCAAAGCAGCCACATCATCTATCCTCATGCCAAAGATGAACAGGTTCTCTTCCCCAG[C>T]TTCTTCTGCCATTTCCACATTGGCCCCATCCATGGTCCCGATAGTTAGGGCCCCATTTAG-3'
Protein context (NP_002854.3, residues 694-714): DGANVEMAEE[Ala704Thr]GEENLFIFGM

ClinVar aggregate classification (germline): Uncertain significance. Review status: criteria provided, multiple submitters, no conflicts (2 of 4 stars). 2 submissions from 2 submitters: Uncertain significance (2). Last evaluated 2025-11-19.

Conditions:
Inborn genetic diseases. Identifiers: MedGen C0950123, MeSH D030342.
Glycogen storage disease, type VI (GSD6). Also called: Glycogen storage disease type 6; Hepatic glycogen phosphorylase deficiency; Glycogen storage disease type 6, due to phosphorylation; GSD VI; HERS DISEASE; PHOSPHORYLASE DEFICIENCY GLYCOGEN-STORAGE DISEASE OF LIVER. Identifiers: Orphanet 369, MedGen C0017925, MONDO:0009294, OMIM 232700.

Allele frequency attached by ClinVar (database versions not stated): gnomAD exomes below 0.00001 and 0.00001; gnomAD 0.00002 and 0.00003; TOPMed 0.00003.
gnomAD v4.1: 17 of 1,614,222 alleles (0.0011%); highest among the groups gnomAD compares: African/African-American, 0.012%; no homozygotes.

Submissions (2):

Ambry Genetics
Classification: Uncertain significance for Inborn genetic diseases. Last evaluated: 2025-11-19. Review status: criteria provided, single submitter. Criteria: Ambry Variant Classification Scheme 2023. Collection method: clinical testing. Allele origin: germline.

Labcorp Genetics (formerly Invitae), Labcorp
Classification: Uncertain significance for Glycogen storage disease, type VI. Last evaluated: 2018-06-11. Review status: criteria provided, single submitter. Criteria: Invitae Variant Classification Sherloc (09022015). Collection method: clinical testing. Allele origin: germline.
Comment: This variant has not been reported in the literature in individuals with PYGL-related disease. In summary, the available evidence is currently insufficient to determine the role of this variant in disease. Therefore, it has been classified as a Variant of Uncertain Significance. Algorithms developed to predict the effect of missense changes on protein structure and function are either unavailable or do not agree on the potential impact of this missense change (SIFT: "Tolerated"; PolyPhen-2: "Probably Damaging"; Align-GVGD: "Class C0"). This variant is not present in population databases (ExAC no frequency). This sequence change replaces alanine with threonine at codon 704 of the PYGL protein (p.Ala704Thr). The alanine residue is moderately conserved and there is a small physicochemical difference between alanine and threonine.